The following is an entry in ClinVar:

ClinVar aggregate classification (germline): Uncertain significance (1 of 4 stars; one submission).

Conditions:
Absence seizure. Also called: Absence epilepsy. Identifiers: Orphanet 1941, MedGen C0014553.
Myoclonic epilepsy, juvenile, susceptibility to, 1. Also called: Myoclonic Epilepsy, Juvenile, 1; EJM1. Identifiers: MedGen C1850778, MONDO:0020752, OMIM 254770.

Allele frequency attached by ClinVar (database versions not stated): TOPMed below 0.00001; gnomAD 0.00001.

Submission:

Labcorp Genetics (formerly Invitae), Labcorp
Classification: Uncertain significance for Myoclonic epilepsy, juvenile, susceptibility to, 1; Absence seizure. Last evaluated: 2022-08-23. Review status: criteria provided, single submitter. Criteria: Invitae Variant Classification Sherloc (09022015). Collection method: clinical testing. Allele origin: germline.
Comment: In summary, the available evidence is currently insufficient to determine the role of this variant in disease. Therefore, it has been classified as a Variant of Uncertain Significance. Algorithms developed to predict the effect of missense changes on protein structure and function are either unavailable or do not agree on the potential impact of this missense change (SIFT: "Deleterious"; PolyPhen-2: "Probably Damaging"; Align-GVGD: "Class C15"). ClinVar contains an entry for this variant (Variation ID: 836132). This variant has not been reported in the literature in individuals affected with EFHC1-related conditions. This variant is not present in population databases (gnomAD no frequency). This sequence change replaces tyrosine, which is neutral and polar, with cysteine, which is neutral and slightly polar, at codon 37 of the EFHC1 protein (p.Tyr37Cys).

NM_018100.4(EFHC1):c.110A>G (p.Tyr37Cys)

Gene: EFHC1 (EF-hand domain containing 1; plus strand). Cytogenetic location: 6p12.2.
Variant type: single nucleotide variant.
Coding change: c.110A>G on transcript NM_018100.4 (MANE Select); coding-DNA position 110, A replaced by G.
Protein change: p.Tyr37Cys; replaces tyrosine 37 with cysteine.
Molecular consequence: missense variant. On other transcripts: non-coding transcript variant (1).
Genome position (GRCh38, 1-based): chr6:52,423,992, A>G. VCF-style: chr6-52423992-A-G. GRCh37 (hg19) VCF-style: chr6-52288790-A-G.
Other names: c.53A>G, p.Tyr18Cys (NM_001172420.2); short protein forms Y37C, Y18C.
Identifiers: ClinVar variation 836132 (VCV000836132.11), dbSNP rs988250483, ClinGen allele CA138984940.